The following is an entry in ClinVar:

ClinVar aggregate classification (germline): Uncertain significance (1 of 4 stars; one submission).

Submission:

Labcorp Genetics (formerly Invitae), Labcorp
Classification: Uncertain significance. Last evaluated: 2023-08-08. Review status: criteria provided, single submitter. Criteria: Invitae Variant Classification Sherloc (09022015). Collection method: clinical testing. Allele origin: germline.
Comment: This variant is not present in population databases (gnomAD no frequency). In summary, the available evidence is currently insufficient to determine the role of this variant in disease. Therefore, it has been classified as a Variant of Uncertain Significance. An algorithm developed to predict the effect of missense changes on protein structure and function (PolyPhen-2) suggests that this variant is likely to be disruptive. This variant has not been reported in the literature in individuals affected with FTH1-related conditions. This sequence change replaces leucine, which is neutral and non-polar, with proline, which is neutral and non-polar, at codon 70 of the FTH1 protein (p.Leu70Pro).

NM_002032.3(FTH1):c.209T>C (p.Leu70Pro)

Genes: BEST1 (bestrophin 1; plus strand), FTH1 (ferritin heavy chain 1; minus strand). Cytogenetic location: 11q12.3.
Variant type: single nucleotide variant.
Coding change: c.209T>C on transcript NM_002032.3 (MANE Select); coding-DNA position 209, T replaced by C.
Protein change: p.Leu70Pro; replaces leucine 70 with proline.
Molecular consequence: missense variant.
Genome position (GRCh38, 1-based): chr11:61,965,421, A>G on the plus strand (T>C on the coding strand, the complement: FTH1 is on the minus strand). VCF-style: chr11-61965421-A-G. GRCh37 (hg19) VCF-style: chr11-61732893-A-G.
Other names: short protein forms L70P.
Identifiers: ClinVar variation 2872045 (VCV002872045.3), dbSNP rs2541429849, ClinGen allele CA380855991.